The following is an entry in ClinVar:

NM_032383.5(HPS3):c.809T>A (p.Leu270Ter)

Gene: HPS3 (HPS3 biogenesis of lysosomal organelles complex 2 subunit 1; plus strand). Cytogenetic location: 3q24.
Variant type: single nucleotide variant.
Coding change: c.809T>A on transcript NM_032383.5 (MANE Select); coding-DNA position 809, T replaced by A.
Protein change: p.Leu270Ter; replaces leucine 270 with a stop codon.
Molecular consequence: nonsense.
Genome position (GRCh38, 1-based): chr3:149,141,113, T>A. VCF-style: chr3-149141113-T-A. GRCh37 (hg19) VCF-style: chr3-148858900-T-A.
Other names: c.314T>A, p.Leu105Ter (NM_001308258.2); short protein forms L105*, L270*.
Identifiers: ClinVar variation 1724118 (VCV001724118.2), dbSNP rs2473072537, ClinGen allele CA354913509.

ClinVar aggregate classification (germline): Likely pathogenic (1 of 4 stars; one submission).

Conditions:
Hermansky-Pudlak syndrome 3 (HPS3). Identifiers: Orphanet 231512, Orphanet 79430, MedGen C3888001, MONDO:0013555, OMIM 614072.

Submission:

Myriad Genetics, Inc.
Classification: Likely pathogenic for Hermansky-Pudlak syndrome 3. Last evaluated: 2022-01-25. Review status: criteria provided, single submitter. Criteria: Myriad Women's Health Autosomal Recessive and X-Linked Classification Criteria (2021). Collection method: clinical testing. Allele origin: unknown.
Comment: NM_032383.3(HPS3):c.809T>A(L270*) is expected to be pathogenic in the context of Hermansky-Pudlak syndrome type 3. This variant is predicted to lead to an abnormal or absent protein product due to the creation of a premature termination codon in HPS3, a gene where loss-of-function variants are known to be pathogenic. Please note: this variant was assessed in the context of healthy population screening.